The following is an entry in ClinVar:

NM_001510.4(GRID2):c.46C>G (p.Arg16Gly)

Genes: GRID2 (glutamate ionotropic receptor delta type subunit 2; plus strand), GRID2-AS1 (GRID2 antisense RNA 1; minus strand). Cytogenetic location: 4q22.1.
Variant type: single nucleotide variant.
Coding change: c.46C>G on transcript NM_001510.4 (MANE Select); coding-DNA position 46, C replaced by G.
Protein change: p.Arg16Gly; replaces arginine 16 with glycine.
Molecular consequence: missense variant.
Genome position (GRCh38, 1-based): chr4:92,304,702, C>G. VCF-style: chr4-92304702-C-G. GRCh37 (hg19) VCF-style: chr4-93225853-C-G.
Other names: c.46C>G, p.Arg16Gly (NM_001286838.1, NM_001440459.1); short protein forms R16G.
Identifiers: ClinVar variation 5008033 (VCV005008033.1).
Genomic context (GRCh38, chr4:92,304,702, plus strand): 5'-TCGGCATAGGAGGAGATGGAAGTTTTCCCCTTTCTCTTGGTTTTGTCCGTCTGGTGGTCT[C>G]GAACCTGGGACTCGGCGAATGCGGATTCGATCATTCACATCGGTAAGAAAGTGTTGGTGC-3'
Protein context (NP_001501.2, residues 6-26): FLLVLSVWWS[Arg16Gly]TWDSANADSI

ClinVar aggregate classification (germline): Uncertain significance (1 of 4 stars; one submission).

Submission:

GeneDx
Classification: Uncertain significance. Last evaluated: 2026-03-04. Review status: criteria provided, single submitter. Criteria: GeneDx Variant Classification Process June 2021. Collection method: clinical testing. Allele origin: germline.
Comment: Not observed at significant frequency in large population cohorts (gnomAD); In silico analysis suggests that this missense variant does not alter protein structure/function; Has not been previously published as pathogenic or benign to our knowledge